The following is an entry in ClinVar:

ClinVar aggregate classification (germline): Likely pathogenic (1 of 4 stars; one submission).

Conditions:
Medium-chain acyl-coenzyme A dehydrogenase deficiency (ACADMD). Also called: ACADM DEFICIENCY; CARNITINE DEFICIENCY SECONDARY TO MEDIUM-CHAIN ACYL-CoA DEHYDROGENASE DEFICIENCY; Medium chain acyl-CoA dehydrogenase deficiency; MCADH DEFICIENCY; MCADD; MCAD Deficiency. Identifiers: Orphanet 42, MedGen C0220710, MONDO:0008721, OMIM 201450.

gnomAD v4.1: 1 of 1,613,854 alleles (0.000062%); highest among the groups gnomAD compares: Admixed American, 0.0017%; no homozygotes.

Submission:

Natera, Inc.
Classification: Likely pathogenic for Medium Chain Acyl-CoA Dehydrogenase Deficiency. Last evaluated: 2025-06-17. Review status: criteria provided, single submitter. Criteria: Natera Variant Classification Schema (03/2026). Collection method: clinical testing. Allele origin: germline.
Comment: The c.978G>A variant in ACADM is a missense variant predicted to cause substitution of methionine to isoleucine at amino acid 326. This variant is rare in the general population with a frequency below the threshold expected for the associated phenotype(s). This variant has been observed in one or more individuals affected with the associated recessive disease, as either homozygous or compound heterozygous with a second variant (PMID: 32793418). A different variant at the same position has been determined to be Pathogenic or Likely Pathogenic. Computational prediction algorithms indicate this variant is likely to affect gene or protein function. Given the available evidence, this variant is classified as Likely Pathogenic.

Literature cited by the submitters: PubMed 32793418.

NM_000016.6(ACADM):c.978G>A (p.Met326Ile)

Gene: ACADM (acyl-CoA dehydrogenase medium chain; plus strand). Cytogenetic location: 1p31.1.
Variant type: single nucleotide variant.
Coding change: c.978G>A on transcript NM_000016.6 (MANE Select); coding-DNA position 978, G replaced by A.
Protein change: p.Met326Ile; replaces methionine 326 with isoleucine.
Molecular consequence: missense variant.
Genome position (GRCh38, 1-based): chr1:75,761,154, G>A. VCF-style: chr1-75761154-G-A. GRCh37 (hg19) VCF-style: chr1-76226839-G-A.
Other names: c.990G>A, p.Met330Ile (NM_001127328.3); c.870G>A, p.Met290Ile (NM_001286042.2); c.1077G>A, p.Met359Ile (NM_001286043.2); c.411G>A, p.Met137Ile (NM_001286044.2); short protein forms M137I, M290I, M326I, M330I, M359I.
Identifiers: ClinVar variation 4817038 (VCV004817038.1).